The following is an entry in ClinVar:

NM_000022.4(ADA):c.44A>T (p.His15Leu)

Genes: ADA (adenosine deaminase; minus strand), LOC107303343 (adenosine deaminase intronic regulatory elements; plus strand). Cytogenetic location: 20q13.12.
Variant type: single nucleotide variant.
Coding change: c.44A>T on transcript NM_000022.4 (MANE Select); coding-DNA position 44, A replaced by T.
Protein change: p.His15Leu; replaces histidine 15 with leucine.
Molecular consequence: missense variant. On other transcripts: 5 prime UTR variant (1), non-coding transcript variant (1).
Genome position (GRCh38, 1-based): chr20:44,636,278, T>A on the plus strand (A>T on the coding strand, the complement: ADA is on the minus strand). VCF-style: chr20-44636278-T-A. GRCh37 (hg19) VCF-style: chr20-43264919-T-A.
Other names: c.-246A>T (NM_001322050.2); c.44A>T, p.His15Leu (NM_001322051.2); short protein forms H15L.
Identifiers: ClinVar variation 635324 (VCV000635324.7), dbSNP rs1209280928, ClinGen allele CA409122529.

ClinVar aggregate classification (germline): Likely pathogenic. Review status: criteria provided, multiple submitters, no conflicts (2 of 4 stars). 2 submissions from 2 submitters: Likely pathogenic (2). Last evaluated 2021-12-17.

Conditions:
Severe combined immunodeficiency, autosomal recessive, T cell-negative, B cell-negative, NK cell-negative, due to adenosine deaminase deficiency. Also called: ADA-SCID; SCID DUE TO ADA DEFICIENCY; SCID DUE TO ADA DEFICIENCY, EARLY-ONSET; ADA deficiency; Adenosine deaminase deficient severe combined immunodeficiency; Severe combined immunodeficiency due to ADA deficiency. Identifiers: Orphanet 277, MedGen C0392607, MONDO:0007064, OMIM 102700.

Submissions (2):

Labcorp Genetics (formerly Invitae), Labcorp
Classification: Likely pathogenic for Severe combined immunodeficiency, autosomal recessive, T cell-negative, B cell-negative, NK cell-negative, due to adenosine deaminase deficiency. Last evaluated: 2021-12-17. Review status: criteria provided, single submitter. Criteria: Invitae Variant Classification Sherloc (09022015). Collection method: clinical testing. Allele origin: germline.
Comment: This sequence change replaces histidine, which is basic and polar, with leucine, which is neutral and non-polar, at codon 15 of the ADA protein (p.His15Leu). In summary, the currently available evidence indicates that the variant is pathogenic, but additional data are needed to prove that conclusively. Therefore, this variant has been classified as Likely Pathogenic. This variant disrupts the p.His15Asp amino acid residue in ADA. Other variant(s) that disrupt this residue have been determined to be pathogenic (PMID: 7599635, 9758612, 26376800, 27129325). This suggests that this residue is clinically significant, and that variants that disrupt this residue are likely to be disease-causing. Advanced modeling of protein sequence and biophysical properties (such as structural, functional, and spatial information, amino acid conservation, physicochemical variation, residue mobility, and thermodynamic stability) performed at Invitae indicates that this missense variant is expected to disrupt ADA protein function. ClinVar contains an entry for this variant (Variation ID: 635324). This variant has not been reported in the literature in individuals affected with ADA-related conditions. This variant is not present in population databases (gnomAD no frequency).

Ege University Pediatric Genetics, Ege University
Classification: Likely pathogenic for ADA deficiency. Last evaluated: 2019-05-15. Review status: criteria provided, single submitter. Criteria: ACMG Guidelines, 2015. Collection method: clinical testing. Allele origin: germline. Affected: no.

Literature cited by the submitters: PubMed 7599635 (cited by Labcorp Genetics (formerly Invitae), Labcorp); PubMed 9758612 (cited by Labcorp Genetics (formerly Invitae), Labcorp); PubMed 26376800 (cited by Labcorp Genetics (formerly Invitae), Labcorp); PubMed 27129325 (cited by Labcorp Genetics (formerly Invitae), Labcorp); PubMed 31319225 (cited by Ege University Pediatric Genetics, Ege University).